The following is an entry in ClinVar:

NM_020937.4(FANCM):c.5770_5772del (p.Thr1924del)

Gene: FANCM (FA complementation group M; plus strand). Cytogenetic location: 14q21.2.
Variant type: Deletion.
Coding change: c.5770_5772del on transcript NM_020937.4 (MANE Select); coding-DNA positions 5770 to 5772, 3 bases deleted (ACC; older notation c.5770_5772delACC).
Protein change: p.Thr1924del; deletes threonine 1924.
Molecular consequence: inframe deletion. On other transcripts: inframe indel (1).
Genome position (GRCh38, 1-based): chr14:45,198,697-45,198,699, ACC deleted. VCF-style (leftmost placement, unchanged base first): chr14-45198696-TACC-T. GRCh37 (hg19) VCF-style: chr14-45667899-TACC-T.
Other names: c.5692_5694del, p.Thr1898del (NM_001308133.2); c.5770_5772delACC, p.Thr1924del (NM_020937.2); short protein forms T1898del, T1924del.
Identifiers: ClinVar variation 2413078 (VCV002413078.2), dbSNP rs771710368, ClinGen allele CA7170064.

ClinVar aggregate classification (germline): Uncertain significance (1 of 4 stars; one submission).

Allele frequency attached by ClinVar (database versions not stated): gnomAD exomes 0.00001; ExAC 0.00002.

Submission:

GeneDx
Classification: Uncertain significance. Last evaluated: 2022-07-26. Review status: criteria provided, single submitter. Criteria: GeneDx Variant Classification Process June 2021. Collection method: clinical testing. Allele origin: germline. Affected: yes.
Comment: Not observed at significant frequency in large population cohorts (gnomAD); In-frame deletion of 1 amino acid in a non-repeat region; In silico analysis supports a deleterious effect on protein structure/function; Has not been previously published as pathogenic or benign to our knowledge